The following is an entry in ClinVar:

ClinVar aggregate classification (germline): Uncertain significance. Review status: criteria provided, multiple submitters, no conflicts (2 of 4 stars). 2 submissions from 2 submitters: Uncertain significance (2). Last evaluated 2024-02-17.

Allele frequency attached by ClinVar (database versions not stated): TOPMed 0.00001; gnomAD 0.00002 and 0.00003; ExAC 0.00003; gnomAD exomes 0.00006 and 0.00013; ESP Exome Variant Server 0.00008; 1000 Genomes Project 0.00020; 1000 Genomes Project 30x 0.00031.
gnomAD v4.1: 181 of 1,537,200 alleles (0.012%); highest among the groups gnomAD compares: Non-Finnish European, 0.015%; 1 homozygote.

Submissions (2):

Labcorp Genetics (formerly Invitae), Labcorp
Classification: Uncertain significance. Last evaluated: 2024-02-17. Review status: criteria provided, single submitter. Criteria: Invitae Variant Classification Sherloc (09022015). Collection method: clinical testing. Allele origin: germline.
Comment: This sequence change replaces alanine, which is neutral and non-polar, with valine, which is neutral and non-polar, at codon 988 of the TAOK2 protein (p.Ala988Val). This variant is present in population databases (rs201030524, gnomAD 0.01%). This variant has not been reported in the literature in individuals affected with TAOK2-related conditions. ClinVar contains an entry for this variant (Variation ID: 1438962). An algorithm developed to predict the effect of missense changes on protein structure and function (PolyPhen-2) suggests that this variant is likely to be disruptive. In summary, the available evidence is currently insufficient to determine the role of this variant in disease. Therefore, it has been classified as a Variant of Uncertain Significance.

Ambry Genetics
Classification: Uncertain significance. Last evaluated: 2023-03-14. Review status: criteria provided, single submitter. Criteria: Ambry Variant Classification Scheme 2023. Collection method: clinical testing. Allele origin: germline.

NM_016151.4(TAOK2):c.2963C>T (p.Ala988Val)

Gene: TAOK2 (TAO kinase 2; plus strand). Cytogenetic location: 16p11.2.
Variant type: single nucleotide variant.
Coding change: c.2963C>T on transcript NM_016151.4 (MANE Select); coding-DNA position 2963, C replaced by T.
Protein change: p.Ala988Val; replaces alanine 988 with valine.
Molecular consequence: missense variant. On other transcripts: intron variant (1).
Genome position (GRCh38, 1-based): chr16:29,987,235, C>T. VCF-style: chr16-29987235-C-T. GRCh37 (hg19) VCF-style: chr16-29998556-C-T.
Other names: c.2624C>T, p.Ala875Val (NM_001252043.2); c.2232+731C>T (NM_004783.4); c.2963C>T (NM_016151.2); short protein forms A875V, A988V.
Identifiers: ClinVar variation 1438962 (VCV001438962.8), dbSNP rs201030524, ClinGen allele CA7998476.
Genomic context (GRCh38, chr16:29,987,235, plus strand): 5'-TCCTGCTGCTGCTGCTGCTTCCATTGCTGGCAGCCCAGGGTGGGGGTGGCCTGCAGGCAG[C>T]GCTGCTGGCCCTTGAGGTGGGGCTGGTGGGTCTGGGGGCCTCCTACCTGCTCCTTTGTAC-3'
Protein context (NP_057235.2, residues 978-998): AAQGGGGLQA[Ala988Val]LLALEVGLVG